The following is an entry in ClinVar:

ClinVar aggregate classification (germline): Pathogenic (1 of 4 stars; one submission).

Conditions:
Long QT syndrome 2 (LQT2). Identifiers: Orphanet 101016, Orphanet 768, MedGen C3150943, MONDO:0013367, OMIM 613688.

Submission:

Department of Traditional Chinese Medicine, Fujian Provincial Hospital
Classification: Pathogenic for Long QT syndrome 2. Review status: criteria provided, single submitter. Criteria: ACMG Guidelines, 2015. Collection method: research. Allele origin: inherited.
Comment: According to ACMG guidelines, the mutation point conforms to PVS1 (Null variant in a gene where loss of function is a known mechanism of disease); PM2 (Absent from controls in Exome Sequencing Project, 1000 Genomes or ExAC) and PP3 (Multiple lines of computational evidence support a deleterious effect on the gene or gene product), so the mutation point is considered to be pathogenic.

NM_000238.4(KCNH2):c.1707C>A (p.Tyr569Ter)

Gene: KCNH2 (potassium voltage-gated channel subfamily H member 2; minus strand). Cytogenetic location: 7q36.1.
Variant type: single nucleotide variant.
Coding change: c.1707C>A on transcript NM_000238.4 (MANE Select); coding-DNA position 1707, C replaced by A.
Protein change: p.Tyr569Ter; replaces tyrosine 569 with a stop codon.
Molecular consequence: nonsense. On other transcripts: non-coding transcript variant (2).
Genome position (GRCh38, 1-based): chr7:150,951,686, G>T on the plus strand (C>A on the coding strand, the complement: KCNH2 is on the minus strand). VCF-style: chr7-150951686-G-T. GRCh37 (hg19) VCF-style: chr7-150648774-G-T.
Other names: c.687C>A, p.Tyr229Ter (NM_001204798.2, NM_172057.3); c.1419C>A, p.Tyr473Ter (NM_001406753.1, NM_001406756.1); c.1530C>A, p.Tyr510Ter (NM_001406755.1); c.1407C>A, p.Tyr469Ter (NM_001406757.1); c.1707C>A, p.Tyr569Ter (NM_172056.3); short protein forms Y229*, Y469*, Y473*, Y510*, Y569*.
Identifiers: ClinVar variation 4280330 (VCV004280330.1).